The following is an entry in ClinVar:

ClinVar aggregate classification (germline): Uncertain significance (0 of 4 stars; one submission).

Conditions:
PPP5C-related disorder. Also called: PPP5C-related condition.

Submission:

PreventionGenetics, part of Exact Sciences
Classification: Uncertain significance for PPP5C-related condition. Last evaluated: 2023-11-01. Review status: no assertion criteria provided. Collection method: clinical testing. Allele origin: germline.
Comment: The PPP5C c.46dupC variant is predicted to result in a frameshift and premature protein termination (p.Arg16Profs*7). To our knowledge, this variant has not been reported in the literature. This variant is reported in 0.0069% of alleles in individuals of European (Non-Finnish) descent in gnomAD; however, this data may not be reliable. Loss-of-function has not been established as a disease mechanism for this gene, and therefore the clinical significance of this variant is currently uncertain due to the absence of conclusive functional and genetic evidence.

NM_006247.4(PPP5C):c.46dup (p.Arg16fs)

Gene: PPP5C (protein phosphatase 5 catalytic subunit; plus strand). Cytogenetic location: 19q13.32.
Variant type: Duplication.
Coding change: c.46dup on transcript NM_006247.4 (MANE Select); coding-DNA position 46, one base duplicated (C; older notation c.46dupC).
Protein change: p.Arg16fs; shifts the reading frame from arginine 16.
Molecular consequence: frameshift variant.
Genome position (GRCh38, 1-based): chr19:46,347,142, C duplicated; the last of 7 consecutive C bases (chr19:46,347,136-46,347,142); duplicating any one gives the same sequence. VCF-style (leftmost placement, unchanged base first): chr19-46347135-G-GC. GRCh37 (hg19) VCF-style: chr19-46850392-G-GC.
Other names: c.46dup, p.Arg16fs (NM_001204284.2); short protein forms R16fs.
Identifiers: ClinVar variation 3031833 (VCV003031833.2), dbSNP rs766639242, ClinGen allele CA9527860.
Genomic context (GRCh38, chr19:46,347,135, plus strand): 5'-AGGGTAGGGGTCGCTTTGCGGCATGGCGATGGCGGAGGGCGAGAGGACTGAGTGTGCTGA[G>GC]CCCCCCCGGGACGAACCCCCGGCTGATGGAGCTCTGAAGCGGGCAGAGGAGCTCAAGACT-3'